The following is an entry in ClinVar:

ClinVar aggregate classification (germline): Uncertain significance. Review status: criteria provided, multiple submitters, no conflicts (2 of 4 stars). 2 submissions from 2 submitters: Uncertain significance (2). Last evaluated 2024-01-25.

Conditions:
Hereditary cancer-predisposing syndrome. Also called: Hereditary Cancer Syndrome; Hereditary neoplastic syndrome; Tumor predisposition; Neoplastic Syndromes, Hereditary. Identifiers: Orphanet 140162, MedGen C0027672, MeSH D009386, MONDO:0015356.
Rhabdoid tumor predisposition syndrome 2 (RTPS2). Identifiers: Orphanet 231108, Orphanet 69077, MedGen C2750074, MONDO:0013224, OMIM 613325.

Submissions (2):

Labcorp Genetics (formerly Invitae), Labcorp
Classification: Uncertain significance for Rhabdoid tumor predisposition syndrome 2. Last evaluated: 2024-01-25. Review status: criteria provided, single submitter. Criteria: Invitae Variant Classification Sherloc (09022015). Collection method: clinical testing. Allele origin: germline.
Comment: This sequence change replaces glutamic acid, which is acidic and polar, with lysine, which is basic and polar, at codon 780 of the SMARCA4 protein (p.Glu780Lys). This variant is not present in population databases (gnomAD no frequency). This variant has not been reported in the literature in individuals affected with SMARCA4-related conditions. ClinVar contains an entry for this variant (Variation ID: 1789802). Advanced modeling of protein sequence and biophysical properties (such as structural, functional, and spatial information, amino acid conservation, physicochemical variation, residue mobility, and thermodynamic stability) performed at Invitae indicates that this missense variant is expected to disrupt SMARCA4 protein function with a positive predictive value of 95%. In summary, the available evidence is currently insufficient to determine the role of this variant in disease. Therefore, it has been classified as a Variant of Uncertain Significance.

Ambry Genetics
Classification: Uncertain significance for Hereditary cancer-predisposing syndrome. Last evaluated: 2020-12-18. Review status: criteria provided, single submitter. Criteria: Ambry Variant Classification Scheme 2023. Collection method: clinical testing. Allele origin: germline.
Comment: The p.E780K variant (also known as c.2338G>A), located in coding exon 15 of the SMARCA4 gene, results from a G to A substitution at nucleotide position 2338. The glutamic acid at codon 780 is replaced by lysine, an amino acid with similar properties. This amino acid position is highly conserved in available vertebrate species. In addition, this alteration is predicted to be deleterious by in silico analysis. This missense alteration is located in a region that has a low rate of benign missense variation (Lek M et al. Nature. 2016 Aug 18;536(7616):285-91; DECIPHER: Database of Chromosomal Imbalance and Phenotype in Humans using Ensembl Resources. Firth H.V. et al. 2009. Am.J.Hum.Genet. 84, 524-533 (DOI)). Missense and in-frame variants in SMARCA4 are known to cause neurodevelopmental disorders; however, such associations with rhabdoid tumor predisposition syndrome including small cell carcinoma of the ovary-hypercalcemic type (SCCOHT) are exceedingly rare (Kosho T et al. Am J Med Genet C Semin Med Genet. 2014 Sep;166C(3):262-75; Jelinic P et al. Nat Genet. 2014 May;46(5):424-6). Since supporting evidence is limited at this time, the clinical significance of this alteration remains unclear.

NM_003072.5(SMARCA4):c.2338G>A (p.Glu780Lys)

Gene: SMARCA4 (SWI/SNF related BAF chromatin remodeling complex subunit ATPase 4; plus strand). Cytogenetic location: 19p13.2.
Variant type: single nucleotide variant.
Coding change: c.2338G>A on transcript NM_003072.5 (MANE Select); coding-DNA position 2338, G replaced by A.
Protein change: p.Glu780Lys; replaces glutamic acid 780 with lysine.
Molecular consequence: missense variant. On other transcripts: non-coding transcript variant (1).
Genome position (GRCh38, 1-based): chr19:11,013,012, G>A. VCF-style: chr19-11013012-G-A. GRCh37 (hg19) VCF-style: chr19-11123688-G-A.
Other names: c.2338G>A, p.Glu780Lys (NM_001128844.3, NM_001128845.2, NM_001128846.2 and 6 more transcripts); short protein forms E780K.
Identifiers: ClinVar variation 1789802 (VCV001789802.5), dbSNP rs2146278627, ClinGen allele CA404053140.